The following is an entry in ClinVar:

ClinVar aggregate classification (germline): Uncertain significance (1 of 4 stars; one submission).

gnomAD v4.1: 89 of 1,613,868 alleles (0.0055%); highest among the groups gnomAD compares: Non-Finnish European, 0.0074%; no homozygotes.

Submission:

Labcorp Genetics (formerly Invitae), Labcorp
Classification: Uncertain significance. Last evaluated: 2025-03-15. Review status: criteria provided, single submitter. Criteria: Invitae Variant Classification Sherloc (09022015). Collection method: clinical testing. Allele origin: germline.
Comment: This sequence change replaces threonine, which is neutral and polar, with serine, which is neutral and polar, at codon 411 of the FLI1 protein (p.Thr411Ser). This variant is present in population databases (rs779993972, gnomAD 0.003%). This variant has not been reported in the literature in individuals affected with FLI1-related conditions. Invitae Evidence Modeling of protein sequence and biophysical properties (such as structural, functional, and spatial information, amino acid conservation, physicochemical variation, residue mobility, and thermodynamic stability) indicates that this missense variant is not expected to disrupt FLI1 protein function with a negative predictive value of 80%. In summary, the available evidence is currently insufficient to determine the role of this variant in disease. Therefore, it has been classified as a Variant of Uncertain Significance.

NM_002017.5(FLI1):c.1231A>T (p.Thr411Ser)

Gene: FLI1 (Fli-1 proto-oncogene, ETS transcription factor; plus strand). Cytogenetic location: 11q24.3.
Variant type: single nucleotide variant.
Coding change: c.1231A>T on transcript NM_002017.5 (MANE Select); coding-DNA position 1231, A replaced by T.
Protein change: p.Thr411Ser; replaces threonine 411 with serine.
Molecular consequence: missense variant.
Genome position (GRCh38, 1-based): chr11:128,810,860, A>T. VCF-style: chr11-128810860-A-T. GRCh37 (hg19) VCF-style: chr11-128680755-A-T.
Other names: c.1132A>T, p.Thr378Ser (NM_001167681.3, NM_001440369.1, NM_001440370.1 and 1 more transcripts); c.1033A>T, p.Thr345Ser (NM_001271010.2); c.652A>T, p.Thr218Ser (NM_001271012.2); c.1105A>T, p.Thr369Ser (NM_001440372.1); short protein forms T369S, T218S, T345S, T378S, T411S.
Identifiers: ClinVar variation 4761288 (VCV004761288.1).
Genomic context (GRCh38, chr11:128,810,860, plus strand): 5'-TACCATGCCCACCAGCAGAAGGTGAACTTTGTCCCTCCCCATCCATCCTCCATGCCTGTC[A>T]CTTCCTCCAGCTTCTTTGGAGCCGCATCACAATACTGGACCTCCCCCACGGGGGGAATCT-3'
Protein context (NP_002008.2, residues 401-421): VPPHPSSMPV[Thr411Ser]SSSFFGAASQ